The following is an entry in ClinVar:

ClinVar aggregate classification (germline): Uncertain significance (1 of 4 stars; one submission).

Submission:

ISCA site 4
Classification: Uncertain significance. Last evaluated: 2011-08-12. Review status: criteria provided, single submitter. Criteria: Kaminsky et al. (Genet Med. 2011). Collection method: clinical testing. Allele origin: unknown. Affected: yes. Observed: 1 variant allele.
Comment: Copy number variation identified through the course of routine clinical cytogenomic testing in postnatal populations. Clinical assertions have been curated as described in Kaminsky et al. 2011.

GRCh38/hg38 8q24.3(chr8:144992787-145054634)x1

Genes: C8orf33 (chromosome 8 open reading frame 33; plus strand), ZNF252P-AS1 (ZNF252P antisense RNA 1; plus strand), LOC130001430 (ATAC-STARR-seq lymphoblastoid active region 28112; plus strand), LOC130001431 (ATAC-STARR-seq lymphoblastoid active region 28113; plus strand), LOC130001432 (ATAC-STARR-seq lymphoblastoid silent region 19718; plus strand). Cytogenetic location: 8q24.3.
Variant type: copy number loss.
Change: copy number 1 (one copy instead of two) of chr8:144,992,787-145,054,634 (61.8 kb, GRCh38 coordinates, 1-based), cytogenetic band 8q24.3.
Identifiers: ClinVar variation 57025 (VCV000057025.1).